The following is an entry in ClinVar:

ClinVar aggregate classification (germline): Pathogenic/Likely pathogenic. Review status: criteria provided, multiple submitters, no conflicts (2 of 4 stars). 2 submissions from 2 submitters: Pathogenic (1); Likely pathogenic (1). Last evaluated 2025-01-01.

Conditions:
Developmental delay with variable intellectual impairment and behavioral abnormalities. Identifiers: MedGen C5193092, MONDO:0032745, OMIM 618430.
Mild intellectual disability. Identifiers: MedGen C0026106, HP:0001256.
Myoclonus. Also called: Myoclonic jerks; Involuntary jerking movements. Identifiers: MedGen C0027066, HP:0001336.
Autism (AUTS). Also called: Autistic disorder of childhood onset; Autistic disorder. Identifiers: MedGen C0004352, MeSH D001321, MONDO:0005260, OMIM 209850, HP:0000717.

Submissions (2):

Center of Human Genetics, Hôpital Erasme
Classification: Likely pathogenic for Developmental delay with variable intellectual impairment and behavioral abnormalities. Last evaluated: 2025-01-01. Review status: criteria provided, single submitter. Criteria: ACMG Guidelines, 2015. Collection method: clinical testing. Allele origin: de novo. Affected: yes.

Groupe Hospitalier Pitie Salpetriere, Uf Genomique Du Developpement, Assistance Publique Hopitaux de Paris Sorbonne Université
Classification: Pathogenic for Mild intellectual disability; Autism; Myoclonus. Last evaluated: 2018-11-06. Review status: criteria provided, single submitter. Criteria: ACMG Guidelines, 2015. Collection method: clinical testing. Allele origin: de novo. Inheritance: Autosomal dominant inheritance. Affected: yes.
Comment: Truncating + de novo (PVS + PS according to the ACMG classification)

NM_001378418.1(TCF20):c.2594C>G (p.Ser865Ter)

Gene: TCF20 (transcription factor 20; minus strand). Cytogenetic location: 22q13.2.
Variant type: single nucleotide variant.
Coding change: c.2594C>G on transcript NM_001378418.1 (MANE Select); coding-DNA position 2594, C replaced by G.
Protein change: p.Ser865Ter; replaces serine 865 with a stop codon.
Molecular consequence: nonsense.
Genome position (GRCh38, 1-based): chr22:42,212,712, G>C on the plus strand (C>G on the coding strand, the complement: TCF20 is on the minus strand). VCF-style: chr22-42212712-G-C. GRCh37 (hg19) VCF-style: chr22-42608718-G-C.
Other names: c.2594C>G, p.Ser865Ter (NM_005650.4, NM_181492.3); short protein forms S865*.
Identifiers: ClinVar variation 590778 (VCV000590778.5), dbSNP rs1569149539, ClinGen allele CA411788308.